The following is an entry in ClinVar:

NM_001372044.2(SHANK3):c.2957_2971del (p.Ala986_Pro990del)

Gene: SHANK3 (SH3 and multiple ankyrin repeat domains 3; plus strand). Cytogenetic location: 22q13.33.
Variant type: Deletion.
Coding change: c.2957_2971del on transcript NM_001372044.2 (MANE Select); coding-DNA positions 2957 to 2971, 15 bases deleted (CGGCCACCCCGCCCG).
Protein change: p.Ala986_Pro990del.
Molecular consequence: inframe deletion.
Genome position (GRCh38, 1-based): chr22:50,720,565-50,720,579, CGGCCACCCCGCCCG deleted; deleting any 15 consecutive bases within chr22:50,720,556-50,720,579 gives the same sequence; the c. name uses the placement nearest the transcript's 3' end. VCF-style (leftmost placement, unchanged base first): chr22-50720555-CCCCCGCCCGCGGCCA-C. GRCh37 (hg19) VCF-style: chr22-51158983-CCCCCGCCCGCGGCCA-C.
Other names: c.2732_2746del (NM_033517.1).
Identifiers: ClinVar variation 1691638 (VCV001691638.3), dbSNP rs1048276757, ClinGen allele CA325578138.
Genomic context (GRCh38, chr22:50,720,555, plus strand): 5'-CGCGCGCGCTCCATGATCATCCTGCAGGACTCGGCGCCCGAGTCGGGCGACGCCCCTCGA[CCCCCGCCCGCGGCCA>C]CCCCGCCCGAGCGACCCAAGCGCCGGCCGCGGCCGCCCGGCCCCGACAGCCCCTACGCCA-3'

ClinVar aggregate classification (germline): Uncertain significance (1 of 4 stars; one submission).

Submission:

GeneDx
Classification: Uncertain significance. Last evaluated: 2022-05-26. Review status: criteria provided, single submitter. Criteria: GeneDx Variant Classification Process June 2021. Collection method: clinical testing. Allele origin: germline. Affected: yes.
Comment: Not observed at significant frequency in large population cohorts (gnomAD); In-frame deletion of 5 amino acids in a non-repeat region; In silico analysis supports a deleterious effect on protein structure/function; Has not been previously published as pathogenic or benign to our knowledge